The following is an entry in ClinVar:

NM_002769.5(PRSS1):c.739A>G (p.Ser247Gly)

Genes: TRB (T cell receptor beta locus; plus strand), PRSS1 (serine protease 1; plus strand). Cytogenetic location: 7q34.
Variant type: single nucleotide variant.
Coding change: c.739A>G on transcript NM_002769.5 (MANE Select); coding-DNA position 739, A replaced by G.
Protein change: p.Ser247Gly; replaces serine 247 with glycine.
Molecular consequence: missense variant. On other transcripts: non-coding transcript variant (5).
Genome position (GRCh38, 1-based): chr7:142,753,015, A>G. VCF-style: chr7-142753015-A-G. GRCh37 (hg19) VCF-style: chr7-142460866-A-G.
Other names: short protein forms S247G.
Identifiers: ClinVar variation 1758692 (VCV001758692.2), dbSNP rs757690615, ClinGen allele CA4530154.

ClinVar aggregate classification (germline): Uncertain significance (1 of 4 stars; one submission).

Conditions:
Hereditary pancreatitis (PCTT). Also called: Hereditary chronic pancreatitis; PRSS1-Related Hereditary Pancreatitis. Identifiers: Orphanet 676, MedGen C0238339, MONDO:0008185, OMIM 167800.

Allele frequency attached by ClinVar (database versions not stated): gnomAD exomes 0.00001; ExAC 0.00004.
gnomAD v4.1: 8 of 1,613,526 alleles (0.0005%); highest among the groups gnomAD compares: Non-Finnish European, 0.00059%; no homozygotes.

Submission:

Ambry Genetics
Classification: Uncertain significance for Hereditary pancreatitis. Last evaluated: 2024-02-27. Review status: criteria provided, single submitter. Criteria: Ambry Variant Classification Scheme 2023. Collection method: clinical testing. Allele origin: germline.
Comment: The p.S247G variant (also known as c.739A>G), located in coding exon 5 of the PRSS1 gene, results from an A to G substitution at nucleotide position 739. The serine at codon 247 is replaced by glycine, an amino acid with similar properties. This amino acid position is conserved. In addition, this alteration is predicted to be tolerated by in silico analysis. Since supporting evidence is limited at this time, the clinical significance of this alteration remains unclear.